The following is an entry in ClinVar:

ClinVar aggregate classification (germline): Uncertain significance (1 of 4 stars; one submission).

Conditions:
Distal myopathy with posterior leg and anterior hand involvement. Also called: WILLIAMS DISTAL MYOPATHY. Identifiers: Orphanet 63273, MedGen C3279722, MONDO:0013550, OMIM 614065.
Myofibrillar myopathy 5. Also called: FILAMINOPATHY, AUTOSOMAL DOMINANT; Filaminopathy (type). Identifiers: Orphanet 171445, MedGen C1836050, MONDO:0012289, OMIM 609524.
Hypertrophic cardiomyopathy 26. Also called: Cardiomyopathy, familial hypertrophic, 26. Identifiers: Orphanet 75249, MedGen C4310749, MONDO:0014883, OMIM 617047.

Allele frequency attached by ClinVar (database versions not stated): gnomAD exomes below 0.00001.
gnomAD v4.1: 1 of 1,614,144 alleles (0.000062%); highest among the groups gnomAD compares: Non-Finnish European, 0.000085%; no homozygotes.

Submission:

Labcorp Genetics (formerly Invitae), Labcorp
Classification: Uncertain significance for Distal myopathy with posterior leg and anterior hand involvement; Myofibrillar myopathy 5; Hypertrophic cardiomyopathy 26. Last evaluated: 2022-11-29. Review status: criteria provided, single submitter. Criteria: Invitae Variant Classification Sherloc (09022015). Collection method: clinical testing. Allele origin: germline.
Comment: This variant has not been reported in the literature in individuals affected with FLNC-related conditions. In summary, the available evidence is currently insufficient to determine the role of this variant in disease. Therefore, it has been classified as a Variant of Uncertain Significance. Advanced modeling of protein sequence and biophysical properties (such as structural, functional, and spatial information, amino acid conservation, physicochemical variation, residue mobility, and thermodynamic stability) performed at Invitae indicates that this missense variant is not expected to disrupt FLNC protein function. ClinVar contains an entry for this variant (Variation ID: 644009). This variant is not present in population databases (gnomAD no frequency). This sequence change replaces cysteine, which is neutral and slightly polar, with serine, which is neutral and polar, at codon 2555 of the FLNC protein (p.Cys2555Ser).

NM_001458.5(FLNC):c.7664G>C (p.Cys2555Ser)

Genes: FLNC-AS1 (FLNC antisense RNA 1; minus strand), FLNC (filamin C; plus strand). Cytogenetic location: 7q32.1.
Variant type: single nucleotide variant.
Coding change: c.7664G>C on transcript NM_001458.5 (MANE Select); coding-DNA position 7664, G replaced by C.
Protein change: p.Cys2555Ser; replaces cysteine 2555 with serine.
Molecular consequence: missense variant.
Genome position (GRCh38, 1-based): chr7:128,857,220, G>C. VCF-style: chr7-128857220-G-C. GRCh37 (hg19) VCF-style: chr7-128497274-G-C.
Other names: c.7565G>C, p.Cys2522Ser (NM_001127487.2); short protein forms C2522S, C2555S.
Identifiers: ClinVar variation 644009 (VCV000644009.9), dbSNP rs1585172407, ClinGen allele CA369219576.